The following is an entry in ClinVar:

NM_005862.3(STAG1):c.1488G>A (p.Leu496=)

Gene: STAG1 (STAG1 cohesin complex component; minus strand). Cytogenetic location: 3q22.3.
Variant type: single nucleotide variant.
Coding change: c.1488G>A on transcript NM_005862.3 (MANE Select); coding-DNA position 1488, G replaced by A.
Protein change: p.Leu496=; no amino-acid change (leucine 496 retained).
Molecular consequence: synonymous variant.
Genome position (GRCh38, 1-based): chr3:136,443,345, C>T on the plus strand (G>A on the coding strand, the complement: STAG1 is on the minus strand). VCF-style: chr3-136443345-C-T. GRCh37 (hg19) VCF-style: chr3-136162187-C-T.
Other names: c.1488G>A (NM_005862.2).
Identifiers: ClinVar variation 2149551 (VCV002149551.8), dbSNP rs148490560, ClinGen allele CA2632884.

ClinVar aggregate classification (germline): Benign/Likely benign. Review status: criteria provided, multiple submitters, no conflicts (2 of 4 stars). 3 submissions from 3 submitters: Benign (1); Likely benign (1). 1 of the submissions does not count toward it. Last evaluated 2026-06-01.

Conditions:
STAG1-related disorder. Also called: STAG1-related disorders.

Allele frequency attached by ClinVar (database versions not stated): gnomAD 0.00012; TOPMed 0.00016; gnomAD exomes 0.00021; ExAC 0.00035; 1000 Genomes Project 30x 0.00078; 1000 Genomes Project 0.00100.
gnomAD v4.1: 313 of 1,613,916 alleles (0.019%); highest among the groups gnomAD compares: East Asian, 0.68%; 1 homozygote.

Submissions (3):

CeGaT Center for Human Genetics Tuebingen
Classification: Likely benign. Last evaluated: 2026-06-01. Review status: criteria provided, single submitter. Criteria: CeGaT Center For Human Genetics Tuebingen Variant Classification Criteria Version 2. Collection method: clinical testing. Allele origin: germline. Affected: yes. Observed: 1 variant allele.
Comment: STAG1: BP4, BP7, BS1

Labcorp Genetics (formerly Invitae), Labcorp
Classification: Benign. Last evaluated: 2025-04-01. Review status: criteria provided, single submitter. Criteria: Invitae Variant Classification Sherloc (09022015). Collection method: clinical testing. Allele origin: germline.

PreventionGenetics, part of Exact Sciences
Classification: Benign for STAG1-related condition. Last evaluated: 2019-04-01. Review status: no assertion criteria provided. Collection method: clinical testing. Allele origin: germline. Not counted in ClinVar's aggregate classification.
Comment: This variant is classified as benign based on ACMG/AMP sequence variant interpretation guidelines (Richards et al. 2015 PMID: 25741868, with internal and published modifications).